The following is an entry in ClinVar:

NM_002691.4(POLD1):c.3233T>C (p.Ile1078Thr)

Gene: POLD1 (DNA polymerase delta 1, catalytic subunit; plus strand). Cytogenetic location: 19q13.33.
Variant type: single nucleotide variant.
Coding change: c.3233T>C on transcript NM_002691.4 (MANE Select); coding-DNA position 3233, T replaced by C.
Protein change: p.Ile1078Thr; replaces isoleucine 1078 with threonine.
Molecular consequence: missense variant. On other transcripts: non-coding transcript variant (1).
Genome position (GRCh38, 1-based): chr19:50,417,856, T>C. VCF-style: chr19-50417856-T-C. GRCh37 (hg19) VCF-style: chr19-50921113-T-C.
Other names: c.3233T>C, p.Ile1078Thr (NM_001256849.1); c.3311T>C, p.Ile1104Thr (NM_001308632.1); c.3233T>C (NM_002691.2); short protein forms I1078T, I1104T.
Identifiers: ClinVar variation 971509 (VCV000971509.10), dbSNP rs2039392510, ClinGen allele CA406987706.

ClinVar aggregate classification (germline): Uncertain significance. Review status: criteria provided, multiple submitters, no conflicts (2 of 4 stars). 2 submissions from 2 submitters: Uncertain significance (2). Last evaluated 2023-12-15.

Conditions:
POLD1-related polyposis and colorectal cancer syndrome (CRCS10). Also called: Colorectal cancer 10; COLORECTAL CANCER, SUSCEPTIBILITY TO, ON CHROMOSOME 19q; Colorectal cancer, susceptibility to, 10. Identifiers: Orphanet 220460, MedGen C2675481, MONDO:0012953, OMIM 612591.
Hereditary cancer-predisposing syndrome. Also called: Tumor predisposition; Hereditary Cancer Syndrome; Hereditary neoplastic syndrome; Neoplastic Syndromes, Hereditary. Identifiers: Orphanet 140162, MedGen C0027672, MeSH D009386, MONDO:0015356.

Submissions (2):

Ambry Genetics
Classification: Uncertain significance for Hereditary cancer-predisposing syndrome. Last evaluated: 2023-12-15. Review status: criteria provided, single submitter. Criteria: Ambry Variant Classification Scheme 2023. Collection method: clinical testing. Allele origin: germline.
Comment: The p.I1078T variant (also known as c.3233T>C), located in coding exon 26 of the POLD1 gene, results from a T to C substitution at nucleotide position 3233. The isoleucine at codon 1078 is replaced by threonine, an amino acid with similar properties. This amino acid position is conserved. In addition, the in silico prediction for this alteration is inconclusive. Since supporting evidence is limited at this time, the clinical significance of this alteration remains unclear.

Labcorp Genetics (formerly Invitae), Labcorp
Classification: Uncertain significance for POLD1-related polyposis and colorectal cancer syndrome. Last evaluated: 2020-10-09. Review status: criteria provided, single submitter. Criteria: Invitae Variant Classification Sherloc (09022015). Collection method: clinical testing. Allele origin: germline.
Comment: This sequence change replaces isoleucine with threonine at codon 1078 of the POLD1 protein (p.Ile1078Thr). The isoleucine residue is highly conserved and there is a moderate physicochemical difference between isoleucine and threonine. This variant is not present in population databases (ExAC no frequency). This variant has not been reported in the literature in individuals with POLD1-related conditions. Algorithms developed to predict the effect of missense changes on protein structure and function are either unavailable or do not agree on the potential impact of this missense change (SIFT: "Deleterious"; PolyPhen-2: "Probably Damaging"; Align-GVGD: "Class C0"). In summary, the available evidence is currently insufficient to determine the role of this variant in disease. Therefore, it has been classified as a Variant of Uncertain Significance.